The following is an entry in ClinVar:

ClinVar aggregate classification (germline): Conflicting classifications of pathogenicity. Review status: criteria provided, conflicting classifications (1 of 4 stars). 7 submissions from 7 submitters: Pathogenic (4); Uncertain significance (1). 2 of the submissions do not count toward it. Last evaluated 2025-06-03.

Conditions:
PDE6B-related disorder. Also called: PDE6B-related disease; PDE6B-related condition; PDE6B-related disorders.

Allele frequency attached by ClinVar (database versions not stated): ExAC 0.00001; gnomAD exomes 0.00001.
gnomAD v4.1: 5 of 1,546,778 alleles (0.00032%); highest among the groups gnomAD compares: Non-Finnish European, 0.00045%; no homozygotes.

Submissions (7):

Revvity Omics, Revvity
Classification: Pathogenic. Last evaluated: 2025-06-03. Review status: criteria provided, single submitter. Criteria: ACMG Guidelines, 2015. Collection method: clinical testing. Allele origin: germline.

Blueprint Genetics
Classification: Pathogenic for PDE6B-related disorders. Last evaluated: 2024-11-15. Review status: criteria provided, single submitter. Criteria: ACMG Guidelines, 2015. Collection method: clinical testing. Allele origin: germline. Affected: yes. Observed: 2 variant alleles.

Labcorp Genetics (formerly Invitae), Labcorp
Classification: Pathogenic. Last evaluated: 2024-06-21. Review status: criteria provided, single submitter. Criteria: Invitae Variant Classification Sherloc (09022015). Collection method: clinical testing. Allele origin: germline.
Comment: This sequence change affects a donor splice site in intron 15 of the PDE6B gene. It is expected to disrupt RNA splicing. Variants that disrupt the donor or acceptor splice site typically lead to a loss of protein function (PMID: 16199547), and loss-of-function variants in PDE6B are known to be pathogenic (PMID: 8394174, 8595886, 22334370). This variant is present in population databases (rs763996159, gnomAD 0.002%). Disruption of this splice site has been observed in individuals with retinitis pigmentosa (PMID: 32531858, 33633436, 36819107). ClinVar contains an entry for this variant (Variation ID: 871378). Algorithms developed to predict the effect of sequence changes on RNA splicing suggest that this variant may disrupt the consensus splice site. For these reasons, this variant has been classified as Pathogenic.

Laboratory for Molecular Medicine, Mass General Brigham Personalized Medicine
Classification: Uncertain significance. Last evaluated: 2020-06-11. Review status: criteria provided, single submitter. Criteria: LMM Criteria. Collection method: clinical testing. Allele origin: germline. Observed: 1 variant allele.
Comment: Variant classified as Uncertain Significance - Favor Pathogenic. The c.1920+2T>C variant in PDE6B has been reported in the homozygous state in 4 siblings with retinitis pigmentosa; however parental testing was either not performed or not reported (Neveling 2012 PMID:22334370). This variant has also been identified in 0.002% (2/113282) of European chromosomes by gnomAD. This variant occurs within the canonical splice site (+/- 1,2). However, computational tools are conflicting in their predictions for a splicing impact. In summary, while there is suspicion for a pathogenic role, the clinical significance of this variant is uncertain. ACMG/AMP criteria applied: PP1, PM2, PVS1_Moderate.

CeGaT Center for Human Genetics Tuebingen
Classification: Pathogenic. Last evaluated: 2018-08-01. Review status: criteria provided, single submitter. Criteria: CeGaT Center For Human Genetics Tuebingen Variant Classification Criteria Version 2. Collection method: clinical testing. Allele origin: germline. Affected: yes. Observed: 2 variant alleles.

Clinical Genetics, Academic Medical Center
Classification: Pathogenic. Review status: no assertion criteria provided. Collection method: clinical testing. Allele origin: germline. Affected: yes. Study: VKGL Data-share Consensus. Not counted in ClinVar's aggregate classification.

Joint Genome Diagnostic Labs from Nijmegen and Maastricht, Radboudumc and MUMC+
Classification: Pathogenic. Review status: no assertion criteria provided. Collection method: clinical testing. Allele origin: germline. Affected: yes. Study: VKGL Data-share Consensus. Not counted in ClinVar's aggregate classification.

Literature cited by the submitters: PubMed 16199547 (cited by Labcorp Genetics (formerly Invitae), Labcorp); PubMed 8394174 (cited by Labcorp Genetics (formerly Invitae), Labcorp); PubMed 8595886 (cited by Labcorp Genetics (formerly Invitae), Labcorp); PubMed 22334370 (cited by Labcorp Genetics (formerly Invitae), Labcorp and Laboratory for Molecular Medicine, Mass General Brigham Personalized Medicine); PubMed 32531858 (cited by Labcorp Genetics (formerly Invitae), Labcorp); PubMed 33633436 (cited by Labcorp Genetics (formerly Invitae), Labcorp); PubMed 36819107 (cited by Labcorp Genetics (formerly Invitae), Labcorp).

NM_000283.4(PDE6B):c.1920+2T>C

Gene: PDE6B (phosphodiesterase 6B; plus strand). Cytogenetic location: 4p16.3.
Variant type: single nucleotide variant.
Coding change: c.1920+2T>C on transcript NM_000283.4 (MANE Select); the canonical splice donor site of the intron after coding-DNA position 1920, T replaced by C.
Molecular consequence: splice donor variant.
Genome position (GRCh38, 1-based): chr4:663,189, T>C. VCF-style: chr4-663189-T-C. GRCh37 (hg19) VCF-style: chr4-656978-T-C.
Other names: c.1920+2T>C (NM_001145291.2, NM_000283.3); c.1083+2T>C (NM_001379246.1, NM_001379247.1, NM_001145292.2 and 1 more transcripts); c.765+2T>C (NM_001350155.3).
Identifiers: ClinVar variation 871378 (VCV000871378.52), dbSNP rs763996159, ClinGen allele CA2794751.